The following is an entry in ClinVar:

ClinVar aggregate classification (germline): Benign. Review status: criteria provided, multiple submitters, no conflicts (2 of 4 stars). 2 submissions from 2 submitters: Benign (2). Last evaluated 2018-06-14.

Allele frequency attached by ClinVar (database versions not stated): gnomAD exomes 0.57994; gnomAD 0.65346 and 0.65546; ESP Exome Variant Server 0.65615; TOPMed 0.66123; 1000 Genomes Project 0.69389; 1000 Genomes Project 30x 0.69566.
gnomAD v4.1: 947,369 of 1,612,266 alleles (59%); highest among the groups gnomAD compares: African/African-American, 85%; 283,129 homozygotes.

Submissions (2):

GeneDx
Classification: Benign. Last evaluated: 2018-06-14. Review status: criteria provided, single submitter. Criteria: GeneDx Variant Classification (06012015). Collection method: clinical testing. Allele origin: germline. Affected: yes.
Comment: This variant is considered likely benign or benign based on one or more of the following criteria: it is a conservative change, it occurs at a poorly conserved position in the protein, it is predicted to be benign by multiple in silico algorithms, and/or has population frequency not consistent with disease.

Breakthrough Genomics
Classification: Benign. Review status: criteria provided, single submitter. Criteria: ACMG Guidelines, 2015. Collection method: not provided. Allele origin: germline. Inheritance: Autosomal dominant inheritance. Affected: yes.

NM_000093.5(COL5A1):c.2745+66A>G

Gene: COL5A1 (collagen type V alpha 1 chain; plus strand). Cytogenetic location: 9q34.3.
Variant type: single nucleotide variant.
Coding change: c.2745+66A>G on transcript NM_000093.5 (MANE Select); 66 bases into the intron after coding-DNA position 2745, A replaced by G.
Molecular consequence: intron variant.
Genome position (GRCh38, 1-based): chr9:134,795,192, A>G. VCF-style: chr9-134795192-A-G. GRCh37 (hg19) VCF-style: chr9-137687038-A-G.
Other names: c.2745+66A>G (NM_001278074.1).
Identifiers: ClinVar variation 671001 (VCV000671001.2), dbSNP rs4072882, ClinGen allele CA12975158.